The following is an entry in ClinVar:

ClinVar aggregate classification (germline): Likely pathogenic (0 of 4 stars; one submission).

Conditions:
Autosomal recessive limb-girdle muscular dystrophy type 2I. Also called: MUSCULAR DYSTROPHY, LIMB-GIRDLE, TYPE 2I; MUSCULAR DYSTROPHY-DYSTROGLYCANOPATHY, LIMB-GIRDLE, FRKP-RELATED; MUSCULAR DYSTROPHY-DYSTROGLYCANOPATHY (LIMB-GIRDLE), TYPE C, 5. Identifiers: Orphanet 34515, MedGen C1846672, MONDO:0011787, OMIM 607155.

Submission:

Institute of Human Genetics, Cologne University
Classification: Likely pathogenic for Autosomal recessive limb-girdle muscular dystrophy type 2I. Review status: no assertion criteria provided. Collection method: clinical testing. Allele origin: germline. Inheritance: Autosomal recessive inheritance. Affected: yes. Observed: 1 variant allele, 1 compound heterozygote.
Comment: This is detected in trans with the pathogenic variant NM_024301.4:c.826C>A .

NM_024301.5(FKRP):c.1036T>C (p.Ser346Pro)

Gene: FKRP (fukutin related protein; plus strand). Cytogenetic location: 19q13.32.
Variant type: single nucleotide variant.
Coding change: c.1036T>C on transcript NM_024301.5 (MANE Select); coding-DNA position 1036, T replaced by C.
Protein change: p.Ser346Pro; replaces serine 346 with proline.
Molecular consequence: missense variant.
Genome position (GRCh38, 1-based): chr19:46,756,486, T>C. VCF-style: chr19-46756486-T-C. GRCh37 (hg19) VCF-style: chr19-47259743-T-C.
Other names: c.1036T>C, p.Ser346Pro (NM_001039885.3); short protein forms S346P.
Identifiers: ClinVar variation 487485 (VCV000487485.1), dbSNP rs753811189, ClinGen allele CA406496519.